The following is an entry in ClinVar:

ClinVar aggregate classification (germline): Uncertain significance. Review status: criteria provided, multiple submitters, no conflicts (2 of 4 stars). 3 submissions from 3 submitters: Uncertain significance (3). Last evaluated 2025-11-19.

Conditions:
FOXE3-related disorder. Also called: FOXE3-related condition.
Cardiovascular phenotype. Identifiers: MedGen CN230736.
Anterior segment dysgenesis. Also called: Ocular anterior segment dysgenesis. Identifiers: Orphanet 88632, MedGen C1862839, MONDO:0019503, HP:0007700.
Congenital primary aphakia. Also called: ANTERIOR SEGMENT DYSGENESIS 2; Anterior segment dysgenesis 2, multiple subtypes. Identifiers: Orphanet 83461, MedGen C1853230, MONDO:0012456, OMIM 610256.

Allele frequency attached by ClinVar (database versions not stated): gnomAD exomes 0.00005; ExAC below 0.00001; gnomAD 0.00002; TOPMed 0.00005.

Submissions (3):

PreventionGenetics, part of Exact Sciences
Classification: Uncertain significance for FOXE3-related condition. Last evaluated: 2025-11-19. Review status: criteria provided, single submitter. Criteria: ACMG Guidelines, 2015. Collection method: clinical testing. Allele origin: germline.
Comment: The FOXE3 c.566C>T variant is predicted to result in the amino acid substitution p.Ala189Val. To our knowledge, this variant has not been reported in the literature. This variant is reported in 0.080% of alleles in individuals of Latino descent in gnomAD. At this time, the clinical significance of this variant is uncertain due to the absence of conclusive functional and genetic evidence.

Labcorp Genetics (formerly Invitae), Labcorp
Classification: Uncertain significance for Anterior segment dysgenesis; Congenital primary aphakia. Last evaluated: 2025-11-01. Review status: criteria provided, single submitter. Criteria: Invitae Variant Classification Sherloc (09022015). Collection method: clinical testing. Allele origin: germline.
Comment: This sequence change replaces alanine, which is neutral and non-polar, with valine, which is neutral and non-polar, at codon 189 of the FOXE3 protein (p.Ala189Val). This variant is present in population databases (rs777536289, gnomAD 0.08%). This variant has not been reported in the literature in individuals affected with FOXE3-related conditions. ClinVar contains an entry for this variant (Variation ID: 970390). Invitae Evidence Modeling of protein sequence and biophysical properties (such as structural, functional, and spatial information, amino acid conservation, physicochemical variation, residue mobility, and thermodynamic stability) indicates that this missense variant is not expected to disrupt FOXE3 protein function with a negative predictive value of 80%. In summary, the available evidence is currently insufficient to determine the role of this variant in disease. Therefore, it has been classified as a Variant of Uncertain Significance.

Ambry Genetics
Classification: Uncertain significance for Cardiovascular phenotype. Last evaluated: 2024-04-28. Review status: criteria provided, single submitter. Criteria: Ambry Variant Classification Scheme 2023. Collection method: clinical testing. Allele origin: germline.
Comment: The p.A189V variant (also known as c.566C>T), located in coding exon 1 of the FOXE3 gene, results from a C to T substitution at nucleotide position 566. The alanine at codon 189 is replaced by valine, an amino acid with similar properties. This amino acid position is well conserved in available vertebrate species. In addition, this alteration is predicted to be tolerated by in silico analysis. Since supporting evidence is limited at this time, the clinical significance of this alteration remains unclear.

NM_012186.3(FOXE3):c.566C>T (p.Ala189Val)

Genes: FOXE3 (forkhead box E3; plus strand), LINC01389 (long independently transcribed non-coding RNA 1389; minus strand). Cytogenetic location: 1p33.
Variant type: single nucleotide variant.
Coding change: c.566C>T on transcript NM_012186.3 (MANE Select); coding-DNA position 566, C replaced by T.
Protein change: p.Ala189Val; replaces alanine 189 with valine.
Molecular consequence: missense variant.
Genome position (GRCh38, 1-based): chr1:47,416,881, C>T. VCF-style: chr1-47416881-C-T. GRCh37 (hg19) VCF-style: chr1-47882553-C-T.
Other names: short protein forms A189V.
Identifiers: ClinVar variation 970390 (VCV000970390.12), dbSNP rs777536289, ClinGen allele CA843000.